The following is an entry in ClinVar:

ClinVar aggregate classification (germline): Benign. Review status: criteria provided, multiple submitters, no conflicts (2 of 4 stars). 3 submissions from 3 submitters: Benign (3). Last evaluated 2026-01-06.

Allele frequency attached by ClinVar (database versions not stated): 1000 Genomes Project 0.00459; ESP Exome Variant Server 0.00523; 1000 Genomes Project 30x 0.00531.
gnomAD v4.1: 2,180 of 1,608,448 alleles (0.14%); highest among the groups gnomAD compares: African/African-American, 1.4%; 13 homozygotes.

Submissions (3):

Labcorp Genetics (formerly Invitae), Labcorp
Classification: Benign. Last evaluated: 2026-01-06. Review status: criteria provided, single submitter. Criteria: Invitae Variant Classification Sherloc (09022015). Collection method: clinical testing. Allele origin: germline.

CeGaT Center for Human Genetics Tuebingen
Classification: Benign. Last evaluated: 2025-02-01. Review status: criteria provided, single submitter. Criteria: CeGaT Center For Human Genetics Tuebingen Variant Classification Criteria Version 2. Collection method: clinical testing. Allele origin: germline. Affected: yes. Observed: 1 variant allele.
Comment: WDR4: BP4, BP7, BS1, BS2

Breakthrough Genomics
Classification: Benign. Review status: criteria provided, single submitter. Criteria: ACMG Guidelines, 2015. Collection method: not provided. Allele origin: germline. Inheritance: Autosomal recessive inheritance. Affected: yes.

NM_018669.6(WDR4):c.963C>T (p.Gly321=)

Gene: WDR4 (WDR4 tRNA N7-guanosine methyltransferase non-catalytic subunit; minus strand). Cytogenetic location: 21q22.3.
Variant type: single nucleotide variant.
Coding change: c.963C>T on transcript NM_018669.6 (MANE Select); coding-DNA position 963, C replaced by T.
Protein change: p.Gly321=; no amino-acid change (glycine 321 retained).
Molecular consequence: synonymous variant. On other transcripts: non-coding transcript variant (1).
Genome position (GRCh38, 1-based): chr21:42,853,581, G>A on the plus strand (C>T on the coding strand, the complement: WDR4 is on the minus strand). VCF-style: chr21-42853581-G-A. GRCh37 (hg19) VCF-style: chr21-44273691-G-A.
Other names: c.960C>T, p.Gly320= (NM_001260474.2); c.525C>T, p.Gly175= (NM_001260475.2, NM_001260476.2, NM_001260477.2); c.963C>T, p.Gly321= (NM_033661.5).
Identifiers: ClinVar variation 1601679 (VCV001601679.22), dbSNP rs146863277, ClinGen allele CA10045880.